The following is an entry in ClinVar:

NM_014795.4(ZEB2):c.3463G>A (p.Asp1155Asn)

Gene: ZEB2 (zinc finger E-box binding homeobox 2; minus strand). Cytogenetic location: 2q22.3.
Variant type: single nucleotide variant.
Coding change: c.3463G>A on transcript NM_014795.4 (MANE Select); coding-DNA position 3463, G replaced by A.
Protein change: p.Asp1155Asn; replaces aspartic acid 1155 with asparagine.
Molecular consequence: missense variant.
Genome position (GRCh38, 1-based): chr2:144,389,633, C>T on the plus strand (G>A on the coding strand, the complement: ZEB2 is on the minus strand). VCF-style: chr2-144389633-C-T. GRCh37 (hg19) VCF-style: chr2-145147200-C-T.
Other names: c.3391G>A, p.Asp1131Asn (NM_001171653.2); short protein forms D1131N, D1155N.
Identifiers: ClinVar variation 1399194 (VCV001399194.6), dbSNP rs761202423, ClinGen allele CA348699249.
Genomic context (GRCh38, chr2:144,389,633, plus strand): 5'-CCGTATCCATACTTTTATTTTCACTTTCTTCCTCTTCCTCCTCGAACTCCTCGTCGCCAT[C>T]CTGTCTGCCCAGCTTCCCGTAGCCATCCTCGCCTTCTTTCTCGTGCTCCTTCTCGCTCTC-3'
Protein context (NP_055610.1, residues 1145-1165): EDGYGKLGRQ[Asp1155Asn]GDEEFEEEEE

ClinVar aggregate classification (germline): Uncertain significance (1 of 4 stars; one submission).

Conditions:
Mowat-Wilson syndrome (MOWS). Also called: Classic Mowat-Wilson Syndrome. Identifiers: Orphanet 2152, MedGen C1856113, MONDO:0009341, OMIM 235730.

Allele frequency attached by ClinVar (database versions not stated): gnomAD 0.00001; TOPMed below 0.00001.
gnomAD v4.1: 1 of 1,614,006 alleles (0.000062%); highest among the groups gnomAD compares: African/African-American, 0.0013%; no homozygotes.

Submission:

Labcorp Genetics (formerly Invitae), Labcorp
Classification: Uncertain significance for Mowat-Wilson syndrome. Last evaluated: 2022-07-05. Review status: criteria provided, single submitter. Criteria: Invitae Variant Classification Sherloc (09022015). Collection method: clinical testing. Allele origin: germline.
Comment: In summary, the available evidence is currently insufficient to determine the role of this variant in disease. Therefore, it has been classified as a Variant of Uncertain Significance. Algorithms developed to predict the effect of missense changes on protein structure and function (SIFT, PolyPhen-2, Align-GVGD) all suggest that this variant is likely to be tolerated. ClinVar contains an entry for this variant (Variation ID: 1399194). This variant has not been reported in the literature in individuals affected with ZEB2-related conditions. This variant is present in population databases (no rsID available, gnomAD 0.01%). This sequence change replaces aspartic acid, which is acidic and polar, with asparagine, which is neutral and polar, at codon 1155 of the ZEB2 protein (p.Asp1155Asn).